The following is an entry in ClinVar:

NM_182961.4(SYNE1):c.26138G>T (p.Ser8713Ile)

Gene: SYNE1 (spectrin repeat containing nuclear envelope protein 1; minus strand). Cytogenetic location: 6q25.2.
Variant type: single nucleotide variant.
Coding change: c.26138G>T on transcript NM_182961.4 (MANE Select); coding-DNA position 26138, G replaced by T.
Protein change: p.Ser8713Ile; replaces serine 8713 with isoleucine.
Molecular consequence: missense variant. On other transcripts: intron variant (1).
Genome position (GRCh38, 1-based): chr6:152,130,735, C>A on the plus strand (G>T on the coding strand, the complement: SYNE1 is on the minus strand). VCF-style: chr6-152130735-C-A. GRCh37 (hg19) VCF-style: chr6-152451870-C-A.
Other names: c.2672G>T, p.Ser891Ile (NM_001347702.2); c.25994G>T, p.Ser8665Ile (NM_033071.5); c.2700+1387G>T (NM_001347701.2); short protein forms S8665I, S8713I, S891I.
Identifiers: ClinVar variation 2102078 (VCV002102078.4), dbSNP rs370721967, ClinGen allele CA4052651.

ClinVar aggregate classification (germline): Uncertain significance (1 of 4 stars; one submission).

Conditions:
Emery-Dreifuss muscular dystrophy 4, autosomal dominant (EDMD4). Also called: EMERY-DREIFUSS MUSCULAR DYSTROPHY 4 WITH VARIABLE FEATURES. Identifiers: Orphanet 261, MedGen C2751807, MONDO:0013071, OMIM 612998.
Autosomal recessive ataxia, Beauce type. Also called: SYNE1 Deficiency; Spinocerebellar ataxia, autosomal recessive 8; ATAXIA, RECESSIVE, OF BEAUCE; SYNE1-Related Autosomal Recessive Cerebellar Ataxia. Identifiers: Orphanet 88644, MedGen C1853116, MONDO:0012549, OMIM 610743.

gnomAD v4.1: 2 of 1,614,002 alleles (0.00012%); highest among the groups gnomAD compares: Admixed American, 0.0033%; no homozygotes.

Submission:

Labcorp Genetics (formerly Invitae), Labcorp
Classification: Uncertain significance for Emery-Dreifuss muscular dystrophy 4, autosomal dominant; Autosomal recessive ataxia, Beauce type. Last evaluated: 2022-02-22. Review status: criteria provided, single submitter. Criteria: Invitae Variant Classification Sherloc (09022015). Collection method: clinical testing. Allele origin: germline.
Comment: Algorithms developed to predict the effect of missense changes on protein structure and function are either unavailable or do not agree on the potential impact of this missense change (SIFT: "Deleterious"; PolyPhen-2: "Benign"; Align-GVGD: "Class C0"). In summary, the available evidence is currently insufficient to determine the role of this variant in disease. Therefore, it has been classified as a Variant of Uncertain Significance. This variant has not been reported in the literature in individuals affected with SYNE1-related conditions. This variant is not present in population databases (gnomAD no frequency). This sequence change replaces serine, which is neutral and polar, with isoleucine, which is neutral and non-polar, at codon 8665 of the SYNE1 protein (p.Ser8665Ile).